The following is an entry in ClinVar:

NM_001754.5(RUNX1):c.508+20T>G

Genes: RUNX1-AS1 (RUNX1 antisense RNA 1; plus strand), RUNX1 (RUNX family transcription factor 1; minus strand). Cytogenetic location: 21q22.12.
Variant type: single nucleotide variant.
Coding change: c.508+20T>G on transcript NM_001754.5 (MANE Select); 20 bases into the intron after coding-DNA position 508, T replaced by G.
Molecular consequence: intron variant.
Genome position (GRCh38, 1-based): chr21:34,880,537, A>C on the plus strand (T>G on the coding strand, the complement: RUNX1 is on the minus strand). VCF-style: chr21-34880537-A-C. GRCh37 (hg19) VCF-style: chr21-36252834-A-C.
Other names: c.427+20T>G (NM_001001890.3, NM_001122607.2).
Identifiers: ClinVar variation 2119279 (VCV002119279.5), dbSNP rs748235501, ClinGen allele CA10014496.

ClinVar aggregate classification (germline): Likely benign. Review status: reviewed by expert panel (3 of 4 stars). 2 submissions from 2 submitters: Likely benign (1). 1 of the submissions does not count toward it. Last evaluated 2024-11-04.

Conditions:
Hereditary thrombocytopenia and hematological cancer predisposition syndrome associated with RUNX1. Also called: Familial Platelet Disorder with Propensity to Acute Myelogenous Leukemia; Familial thrombocytopenia with propensity to acute myelogenous leukemia; PLATELET DISORDER, ASPIRIN-LIKE; RUNX1 Familial Platelet Disorder with Associated Myeloid Malignancies. Identifiers: Orphanet 71290, MedGen C1832388, MeSH C563324, MONDO:0100083, OMIM 601399.
Hereditary thrombocytopenia and hematologic cancer predisposition syndrome. Identifiers: Orphanet 71290, MedGen CN281654, MONDO:0011071.

Allele frequency attached by ClinVar (database versions not stated): gnomAD exomes below 0.00001; ExAC 0.00002.
gnomAD v4.1: 4 of 1,613,468 alleles (0.00025%); highest among the groups gnomAD compares: South Asian, 0.0044%; no homozygotes.

Submissions (2):

ClinGen Myeloid Malignancy Variant Curation Expert Panel
Classification: Likely benign for Hereditary thrombocytopenia and hematologic cancer predisposition syndrome. Last evaluated: 2024-11-04. Review status: reviewed by expert panel. Criteria: ClinGen MyeloMalig ACMG Specifications v2. Collection method: curation. Allele origin: germline. Inheritance: Autosomal dominant inheritance.
Comment: NM_001754.5(RUNX1):c.508+20T>G is an intronic variant which has a SpliceAI score ≤ 0.20 (0.02) and evolutionary conservation algorithms predict the site as not being conserved (PhyloP score ≤ 2.0 (0.05) (BP7). Multiple lines of computational evidence suggest no impact on gene /gene product (SpliceAI score ≤ 0.20 (0.02) (BP4). In summary, this variant meets criteria to be classified as benign. ACMG/AMP criteria applied, as specified by the Myeloid Malignancy Variant Curation Expert Panel for RUNX1: BP4, BP7.

Labcorp Genetics (formerly Invitae), Labcorp
Classification: Likely benign for Hereditary thrombocytopenia and hematological cancer predisposition syndrome associated with RUNX1. Last evaluated: 2022-03-29. Review status: criteria provided, single submitter. Criteria: Invitae Variant Classification Sherloc (09022015). Collection method: clinical testing. Allele origin: germline. Not counted in ClinVar's aggregate classification.